The following is an entry in ClinVar:

ClinVar aggregate classification (germline): Likely benign. Review status: reviewed by expert panel (3 of 4 stars). 6 submissions from 6 submitters: Likely benign (1). 5 of the submissions do not count toward it. Last evaluated 2021-12-31.

Conditions:
HNF1A-related disorder. Also called: HNF1A-related condition.
Monogenic diabetes. Identifiers: Orphanet 183625, MedGen C3888631, MONDO:0015967.
Maturity-onset diabetes of the young (MODY). Also called: Maturity onset diabetes mellitus in young. Identifiers: Orphanet 552, MedGen C0342276, MONDO:0018911, HP:0004904.
Maturity-onset diabetes of the young type 3. Also called: MODY type 3; MODY, type III. Identifiers: Orphanet 552, MedGen C1838100, MeSH C563933, MONDO:0010894, OMIM 600496. Disease mechanism: loss of function.

Allele frequency attached by ClinVar (database versions not stated): TOPMed below 0.00001; ExAC 0.00001; gnomAD exomes 0.00001 and 0.00002.
gnomAD v4.1: 31 of 1,613,572 alleles (0.0019%); highest among the groups gnomAD compares: Non-Finnish European, 0.0025%; no homozygotes.

Submissions (6):

ClinGen Monogenic Diabetes Variant Curation Expert Panel
Classification: Likely benign for Monogenic diabetes. Last evaluated: 2021-12-31. Review status: reviewed by expert panel. Criteria: ClinGen Diabetes ACMG Specifications v1 1. Collection method: curation. Allele origin: germline. Inheritance: Autosomal dominant inheritance.
Comment: The c.1663C>T variant in the HNF1 homeobox A gene, HNF1A, causes an amino acid change of leucine to phenylalanine at codon 555(p.(Leu555Phe)) of NM_000545.8. This variant has an allele frequency of 0.00001797 in Non- Finnish Europeans, below the MDEP threshold of 0.00002, and no copies in other subpopulations, in gnomAD v2.1.1 (PM2_Supporting). Lastly, this variant was identified in a patient with an alternate molecular basis for disease (BP5; PMID: 22341299). This variant was identified in one individual with non-autoimmune and non-absolute/near-absolute insulin-deficient diabetes; however, PS4_Moderate cannot be applied because this number is below the ClinGen MDEP threshold (internal lab contributors). This variant has a REVEL score of 0.5809, which is between the ClinGen MDEP thresholds, predicting neither a damaging nor benign impact on HNF1A function. In summary, c.1663C>T meets the criteria to be classified as likely benign for monogenic diabetes. ACMG/AMP criteria applied, as specified by the ClinGen MDEP (specification version 1.1, approved 6/4/2021): PM2_Supporting, BS2, BP5.

Labcorp Genetics (formerly Invitae), Labcorp
Classification: Uncertain significance. Last evaluated: 2021-07-14. Review status: criteria provided, single submitter. Criteria: Invitae Variant Classification Sherloc (09022015). Collection method: clinical testing. Allele origin: germline. Not counted in ClinVar's aggregate classification.
Comment: This sequence change replaces leucine with phenylalanine at codon 555 of the HNF1A protein (p.Leu555Phe). The leucine residue is weakly conserved and there is a small physicochemical difference between leucine and phenylalanine. This variant is present in population databases (rs193922587, ExAC 0.002%). This missense change has been observed in individual(s) with maturity-onset diabetes of the young type 3 (PMID: 18003757). This missense change has been observed to be homozygous or hemizygous in an individual who did not have the expected clinical features for that genetic result (PMID: 22341299). ClinVar contains an entry for this variant (Variation ID: 36808). Algorithms developed to predict the effect of missense changes on protein structure and function are either unavailable or do not agree on the potential impact of this missense change (SIFT: "Deleterious"; PolyPhen-2: "Possibly Damaging"; Align-GVGD: "Class C0"). In summary, the available evidence is currently insufficient to determine the role of this variant in disease. Therefore, it has been classified as a Variant of Uncertain Significance.

Broad Center for Mendelian Genomics, Broad Institute of MIT and Harvard
Classification: Uncertain significance for Maturity-onset diabetes of the young type 3. Last evaluated: 2020-01-22. Review status: criteria provided, single submitter. Criteria: ACMG Guidelines, 2015. Collection method: curation. Allele origin: germline. Inheritance: Autosomal dominant inheritance. Not counted in ClinVar's aggregate classification.
Comment: The p.Leu555Phe variant in HNF1A has been reported in 1 individual with maturity-onset diabetes of the young type 3 (PMID: 18003757) and has been identified in 0.001797% (2/111302) of European (non-Finnish) chromosomes by the Genome Aggregation Database (gnomAD; dbSNP rs193922587). This variant has also been reported in ClinVar (VariationID: 36808) as likely pathogenic by Integrated Genetics. Computational prediction tools and conservation analyses do not provide strong support for or against an impact to the protein. One affected individual with this variant have an alternative molecular basis for maturity-onset diabetes of the young, suggesting that this variant may not be pathogenic (PMID: 22341299). In summary, the clinical significance of the p.Leu555Phe variant is uncertain. ACMG/AMP Criteria applied: PM2, BP5 (Richards 2015).

Women's Health and Genetics/Laboratory Corporation of America, LabCorp
Classification: Likely pathogenic for MODY3. Last evaluated: 2011-08-18. Review status: criteria provided, single submitter. Criteria: LabCorp Variant Classification Summary - May 2015. Collection method: curation, clinical testing. Allele origin: germline. Inheritance: autosomal dominant. Affected: yes. Observed: 1 variant allele. Not counted in ClinVar's aggregate classification.
ClinVar note: Converted during submission from likely pathogenic to Likely pathogenic.

Clinical Genomics, Uppaluri K&H Personalized Medicine Clinic
Classification: Uncertain risk allele for Maturity-onset diabetes of the young. Review status: criteria provided, single submitter. Criteria: K & H Uppaluri Personalized Medicine Clinic Variant Classification & Assertion Criteria_Updated V.1. Collection method: research. Allele origin: unknown. Inheritance: Autosomal dominant inheritance. Not counted in ClinVar's aggregate classification.
Comment: Mutations in HNF1A gene can predispose to MODY3. It is associated with both micro and macrovascular complications of diabetes, especially cardiovascular complications. Associated with glucosuria. May respond well to sulfonylureas. However, more evidence is required to confer the association of this particular variant rs193922587 with MODY3.

PreventionGenetics, part of Exact Sciences
Classification: Likely benign for HNF1A-related condition. Last evaluated: 2024-04-29. Review status: no assertion criteria provided. Collection method: clinical testing. Allele origin: germline. Not counted in ClinVar's aggregate classification.
Comment: This variant is classified as likely benign based on ACMG/AMP sequence variant interpretation guidelines (Richards et al. 2015 PMID: 25741868, with internal and published modifications).

Literature cited by the submitters: PubMed 18003757 (cited by Labcorp Genetics (formerly Invitae), Labcorp and Women's Health and Genetics/Laboratory Corporation of America, LabCorp); PubMed 22341299 (cited by Labcorp Genetics (formerly Invitae), Labcorp and Broad Center for Mendelian Genomics, Broad Institute of MIT and Harvard); PubMed 31517624 (cited by Clinical Genomics, Uppaluri K&H Personalized Medicine Clinic); PubMed 32395877 (cited by Clinical Genomics, Uppaluri K&H Personalized Medicine Clinic); PubMed 35328643 (cited by Clinical Genomics, Uppaluri K&H Personalized Medicine Clinic); PubMed 35673428 (cited by Clinical Genomics, Uppaluri K&H Personalized Medicine Clinic).

NM_000545.8(HNF1A):c.1663C>T (p.Leu555Phe)

Gene: HNF1A (HNF1 homeobox A; plus strand). Cytogenetic location: 12q24.31.
Variant type: single nucleotide variant.
Coding change: c.1663C>T on transcript NM_000545.8 (MANE Select); coding-DNA position 1663, C replaced by T.
Protein change: p.Leu555Phe; replaces leucine 555 with phenylalanine.
Molecular consequence: missense variant.
Genome position (GRCh38, 1-based): chr12:120,999,522, C>T. VCF-style: chr12-120999522-C-T. GRCh37 (hg19) VCF-style: chr12-121437325-C-T.
Other names: c.1684C>T, p.Leu562Phe (NM_001306179.2); c.1663C>T (NM_000545.6, NM_000545.6); short protein forms L555F, L562F.
Identifiers: ClinVar variation 36808 (VCV000036808.14), dbSNP rs193922587, ClinGen allele CA214281.